The following is an entry in ClinVar:

NM_017668.3(NDE1):c.734del (p.Leu245fs)

Gene: NDE1 (nudE neurodevelopment protein 1; plus strand). Cytogenetic location: 16p13.11.
Variant type: Deletion.
Coding change: c.734del on transcript NM_017668.3 (MANE Select); coding-DNA position 734, one base deleted (T; older notation c.734delT).
Protein change: p.Leu245fs; shifts the reading frame from leucine 245.
Molecular consequence: frameshift variant.
Genome position (GRCh38, 1-based): chr16:15,694,195, T deleted. VCF-style (leftmost placement, unchanged base first): chr16-15694194-CT-C. GRCh37 (hg19) VCF-style: chr16-15788051-CT-C.
Other names: c.734del, p.Leu245fs (NM_001143979.2); short protein forms L245fs.
Identifiers: ClinVar variation 3764542 (VCV003764542.2).

ClinVar aggregate classification (germline): Likely pathogenic (1 of 4 stars; one submission).

Conditions:
NDE1-related microhydranencephaly (MHAC). Also called: HYDRANENCEPHALY AND MICROCEPHALY. Identifiers: Orphanet 443162, MedGen C1857977, MONDO:0011504, OMIM 605013.

Submission:

Human Genetics Section, Sidra Medicine
Classification: Likely pathogenic for NDE1-related microhydranencephaly. Last evaluated: 2024-11-01. Review status: criteria provided, single submitter. Criteria: ACMG Guidelines, 2015. Collection method: research. Allele origin: germline. Affected: yes. Observed: 3 variant alleles.
Comment: This variant is not present in population databases (gnomAD no frequency). Frameshift variant predicted to result in protein truncation or nonsense mediated decay in a gene for which loss-of-function is a known mechanism of disease.